The following is an entry in ClinVar:

NM_015910.7(WDPCP):c.1831C>G (p.Leu611Val)

Gene: WDPCP (WD repeat containing planar cell polarity effector; minus strand). Cytogenetic location: 2p15.
Variant type: single nucleotide variant.
Coding change: c.1831C>G on transcript NM_015910.7 (MANE Select); coding-DNA position 1831, C replaced by G.
Protein change: p.Leu611Val; replaces leucine 611 with valine.
Molecular consequence: missense variant. On other transcripts: non-coding transcript variant (2).
Genome position (GRCh38, 1-based): chr2:63,259,391, G>C on the plus strand (C>G on the coding strand, the complement: WDPCP is on the minus strand). VCF-style: chr2-63259391-G-C. GRCh37 (hg19) VCF-style: chr2-63486526-G-C.
Other names: c.1354C>G, p.Leu452Val (NM_001042692.3); c.1759C>G, p.Leu587Val (NM_001354044.2); short protein forms L452V, L587V, L611V.
Identifiers: ClinVar variation 3348969 (VCV003348969.1).

ClinVar aggregate classification (germline): Uncertain significance (0 of 4 stars; one submission).

Conditions:
WDPCP-related disorder. Also called: WDPCP-related condition.

gnomAD v4.1: 1 of 1,611,476 alleles (0.000062%); highest among the groups gnomAD compares: Non-Finnish European, 0.000085%; no homozygotes.

Submission:

PreventionGenetics, part of Exact Sciences
Classification: Uncertain significance for WDPCP-related condition. Last evaluated: 2024-01-03. Review status: no assertion criteria provided. Collection method: clinical testing. Allele origin: germline.
Comment: The WDPCP c.1831C>G variant is predicted to result in the amino acid substitution p.Leu611Val. To our knowledge, this variant has not been reported in the literature. This variant is reported in 0.00089% of alleles in individuals of European (Non-Finnish) descent in gnomAD. At this time, the clinical significance of this variant is uncertain due to the absence of conclusive functional and genetic evidence.